The following is an entry in ClinVar:

NM_001128178.3(NPHP1):c.1469G>A (p.Arg490Lys)

Gene: NPHP1 (nephrocystin 1; minus strand). Cytogenetic location: 2q13.
Variant type: single nucleotide variant.
Coding change: c.1469G>A on transcript NM_001128178.3 (MANE Select); coding-DNA position 1469, G replaced by A.
Protein change: p.Arg490Lys; replaces arginine 490 with lysine.
Molecular consequence: missense variant.
Genome position (GRCh38, 1-based): chr2:110,143,602, C>T on the plus strand (G>A on the coding strand, the complement: NPHP1 is on the minus strand). VCF-style: chr2-110143602-C-T. GRCh37 (hg19) VCF-style: chr2-110901179-C-T.
Other names: p.Arg546Lys; c.1637G>A, p.Arg546Lys (NM_000272.5); c.1280G>A, p.Arg427Lys (NM_001128179.3); c.1466G>A, p.Arg489Lys (NM_001374256.1); c.1469G>A, p.Arg490Lys (NM_001374257.1); c.1634G>A, p.Arg545Lys (NM_207181.4); c.1637G>A (NM_000272.4); short protein forms R546K, R545K, R427K, R490K, R489K.
Identifiers: ClinVar variation 330730 (VCV000330730.30), dbSNP rs149887461, ClinGen allele CA1827002.

ClinVar aggregate classification (germline): Conflicting classifications of pathogenicity. Review status: criteria provided, conflicting classifications (1 of 4 stars). 11 submissions from 9 submitters: Uncertain significance (3); Likely benign (7). 1 of the submissions does not count toward it. Last evaluated 2026-01-28.

Conditions:
NPHP1-related disorder. Also called: NPHP1-related condition; NPHP1-related disorders.
Nephronophthisis. Also called: Juvenile Nephronophthisis. Identifiers: Orphanet 655, MedGen C0687120, MONDO:0019005, HP:0000090.
Joubert syndrome with renal defect. Also called: JOUBERT SYNDROME 4. Identifiers: Orphanet 220497, MedGen C1846790, MONDO:0012308, OMIM 609583.
Senior-Loken syndrome 1 (SLSN1). Also called: JUVENILE NEPHRONOPHTHISIS WITH LEBER AMAUROSIS. Identifiers: Orphanet 3156, MedGen C4551559, MONDO:0009962, OMIM 266900.
Nephronophthisis 1 (NPHP1). Also called: Nephronophthisis familial juvenile. Identifiers: Orphanet 655, Orphanet 93592, MedGen C1855681, MONDO:0009728, OMIM 256100.

Allele frequency attached by ClinVar (database versions not stated): ESP Exome Variant Server 0.00008; gnomAD exomes 0.00030 and 0.00062; gnomAD 0.00033 and 0.00042; ExAC 0.00062; TOPMed 0.00062; 1000 Genomes Project 0.00200; 1000 Genomes Project 30x 0.00219.
gnomAD v4.1: 520 of 1,613,754 alleles (0.032%); highest among the groups gnomAD compares: South Asian, 0.24%; 7 homozygotes.

Submissions (11):

Labcorp Genetics (formerly Invitae), Labcorp
Classification: Likely benign for Nephronophthisis. Last evaluated: 2026-01-28. Review status: criteria provided, single submitter. Criteria: Invitae Variant Classification Sherloc (09022015). Collection method: clinical testing. Allele origin: germline.

Mayo Clinic Laboratories, Mayo Clinic
Classification: Likely benign. Last evaluated: 2025-09-22. Review status: criteria provided, single submitter. Criteria: ACMG Guidelines, 2015. Collection method: clinical testing. Allele origin: germline. Observed: 2 variant alleles.
Comment: BS1, BP4_moderate

Blueprint Genetics
Classification: Likely benign. Last evaluated: 2024-11-22. Review status: criteria provided, single submitter. Criteria: ACMG Guidelines, 2015. Collection method: clinical testing. Allele origin: germline.

GeneDx
Classification: Likely benign. Last evaluated: 2024-07-05. Review status: criteria provided, single submitter. Criteria: GeneDx Variant Classification Process June 2021. Collection method: clinical testing. Allele origin: germline. Affected: yes.
Comment: See Variant Classification Assertion Criteria.

Dubai Health Genomic Medicine Center, Dubai Health
Classification: Likely benign. Last evaluated: 2019-12-26. Review status: criteria provided, single submitter. Criteria: ACMG Guidelines, 2015. Collection method: clinical testing. Allele origin: germline. Affected: yes.

Genetic Services Laboratory, University of Chicago
Classification: Likely benign. Last evaluated: 2018-03-08. Review status: criteria provided, single submitter. Criteria: ACMG Guidelines, 2015. Collection method: clinical testing. Allele origin: germline. Affected: no.

Illumina Laboratory Services, Illumina
Classification: Uncertain significance for Senior-Loken syndrome 1. Last evaluated: 2018-01-12. Review status: criteria provided, single submitter. Criteria: ICSL Variant Classification Criteria 13 December 2019. Collection method: clinical testing. Allele origin: germline.

Illumina Laboratory Services, Illumina
Classification: Uncertain significance for Joubert syndrome with renal defect. Last evaluated: 2018-01-12. Review status: criteria provided, single submitter. Criteria: ICSL Variant Classification Criteria 13 December 2019. Collection method: clinical testing. Allele origin: germline.

Illumina Laboratory Services, Illumina
Classification: Uncertain significance for Nephronophthisis 1. Last evaluated: 2018-01-12. Review status: criteria provided, single submitter. Criteria: ICSL Variant Classification Criteria 13 December 2019. Collection method: clinical testing. Allele origin: germline.

Eurofins Ntd Llc (ga)
Classification: Likely benign. Last evaluated: 2017-06-28. Review status: criteria provided, single submitter. Criteria: EGL Classification Definitions 2015. Collection method: clinical testing. Allele origin: germline. Observed: 1 variant allele, 1 heterozygote.

PreventionGenetics, part of Exact Sciences
Classification: Likely benign for NPHP1-related condition. Last evaluated: 2022-01-31. Review status: no assertion criteria provided. Collection method: clinical testing. Allele origin: germline. Not counted in ClinVar's aggregate classification.
Comment: This variant is classified as likely benign based on ACMG/AMP sequence variant interpretation guidelines (Richards et al. 2015 PMID: 25741868, with internal and published modifications).